The following is an entry in ClinVar:

NM_006297.3(XRCC1):c.-1C>T

Gene: XRCC1 (X-ray repair cross complementing 1; minus strand). Cytogenetic location: 19q13.31.
Variant type: single nucleotide variant.
Coding change: c.-1C>T on transcript NM_006297.3 (MANE Select); 1 bases upstream of the start codon, C replaced by T.
Molecular consequence: 5 prime UTR variant.
Genome position (GRCh38, 1-based): chr19:43,575,459, G>A on the plus strand (C>T on the coding strand, the complement: XRCC1 is on the minus strand). VCF-style: chr19-43575459-G-A. GRCh37 (hg19) VCF-style: chr19-44079611-G-A.
Identifiers: ClinVar variation 3060460 (VCV003060460.2), dbSNP rs2307187, ClinGen allele CA9488955.

ClinVar aggregate classification (germline): Benign (0 of 4 stars; one submission).

Conditions:
XRCC1-related disorder. Also called: XRCC1-related condition.

Allele frequency attached by ClinVar (database versions not stated): gnomAD exomes 0.01412; ExAC 0.01550; 1000 Genomes Project 0.02117; gnomAD 0.02140; 1000 Genomes Project 30x 0.02264; ESP Exome Variant Server 0.02299; TOPMed 0.02486.
gnomAD v4.1: 24,204 of 1,612,136 alleles (1.5%); highest among the groups gnomAD compares: Middle Eastern, 5.6%; 271 homozygotes.

Submission:

PreventionGenetics, part of Exact Sciences
Classification: Benign for XRCC1-related condition. Last evaluated: 2019-02-27. Review status: no assertion criteria provided. Collection method: clinical testing. Allele origin: germline.
Comment: This variant is classified as benign based on ACMG/AMP sequence variant interpretation guidelines (Richards et al. 2015 PMID: 25741868, with internal and published modifications).